The following is an entry in ClinVar:

NM_145027.6(KIF6):c.2155T>C (p.Trp719Arg)

Gene: KIF6 (kinesin family member 6; minus strand). Cytogenetic location: 6p21.2.
Variant type: single nucleotide variant.
Coding change: c.2155T>C on transcript NM_145027.6 (MANE Select); coding-DNA position 2155, T replaced by C.
Protein change: p.Trp719Arg; replaces tryptophan 719 with arginine.
Molecular consequence: missense variant.
Genome position (GRCh38, 1-based): chr6:39,357,302, A>G on the plus strand (T>C on the coding strand, the complement: KIF6 is on the minus strand). VCF-style: chr6-39357302-A-G. GRCh37 (hg19) VCF-style: chr6-39325078-A-G.
Other names: c.2104T>C, p.Trp702Arg (NM_001289020.3); c.1987T>C, p.Trp663Arg (NM_001289021.3); c.508T>C, p.Trp170Arg (NM_001289024.3, NM_001351566.2); short protein forms W170R, W663R, W702R, W719R.
Identifiers: ClinVar variation 1327417 (VCV001327417.1), dbSNP rs20455, ClinGen allele CA3793798.
Genomic context (GRCh38, chr6:39,357,302, plus strand): 5'-GGAACTCTAACACCTCCGGTGAGTTCTCACCTTACCTTTTGTTAGAGAGGAGTTGGGACC[A>G]TTCATGCTGGGAGTCAGATGTCTGGAGAAATGGCTTCGTGTGATCGAGTGAATTCACTGC-3'
Protein context (NP_659464.3, residues 709-729): FLQTSDSQHE[Trp719Arg]SQLLSNKSSG

ClinVar aggregate classification (germline): drug response (3 of 4 stars; one submission).

Conditions:
pravastatin response - Efficacy. Identifiers: MedGen CN322737.

Allele frequency attached by ClinVar (database versions not stated): gnomAD exomes 0.40534 and 0.37442; gnomAD 0.49586 and 0.49046; 1000 Genomes Project 0.53974; ExAC 0.41760; ESP Exome Variant Server 0.50146; TOPMed 0.50411; 1000 Genomes Project 30x 0.54731.
gnomAD v4.1: 622,475 of 1,611,174 alleles (39%); highest among the groups gnomAD compares: African/African-American, 80%; 129,068 homozygotes.

Submission:

ClinPGx
Classification: drug response for pravastatin response - Efficacy. Last evaluated: 2021-03-24. Review status: reviewed by expert panel. Criteria: Pharmacogenomics knowledge for personalized medicine. Collection method: curation. Allele origin: germline. Affected: yes.
Comment: PharmGKB Level of Evidence 2B: Variants in Level 2B clinical annotations are not in PharmGKB’s Tier 1 VIPs. These clinical annotations describe variant-drug combinations with a moderate level of evidence supporting the association. For example, the association may be found in multiple cohorts, but there may be a minority of studies that do not support the majority assertion. Level 2B clinical annotations must be supported by at least two independent publications.

Drug is not necessarily used to treat response condition

Literature cited by the submitters: PubMed 18222353; PubMed 20215968; PubMed 20403483; PubMed 20886236.